The following is an entry in ClinVar:

ClinVar aggregate classification (germline): Likely benign. Review status: criteria provided, multiple submitters, no conflicts (2 of 4 stars). 3 submissions from 3 submitters: Likely benign (3). Last evaluated 2026-01-09.

Conditions:
BAP1-related disorder. Also called: BAP1-related condition.
Hereditary cancer-predisposing syndrome. Also called: Neoplastic Syndromes, Hereditary; Hereditary Cancer Syndrome; Tumor predisposition; Hereditary neoplastic syndrome. Identifiers: Orphanet 140162, MedGen C0027672, MeSH D009386, MONDO:0015356.

gnomAD v4.1: 1 of 1,614,180 alleles (0.000062%); highest among the groups gnomAD compares: Non-Finnish European, 0.000085%; no homozygotes.

Submissions (3):

PreventionGenetics, part of Exact Sciences
Classification: Likely benign for BAP1-related condition. Last evaluated: 2026-01-09. Review status: criteria provided, single submitter. Criteria: ACMG Guidelines, 2015. Collection method: clinical testing. Allele origin: germline.
Comment: This variant is classified as likely benign based on ACMG/AMP sequence variant interpretation guidelines (Richards et al. 2015 PMID: 25741868, with internal and published modifications).

Ambry Genetics
Classification: Likely benign for Hereditary cancer-predisposing syndrome. Last evaluated: 2023-07-24. Review status: criteria provided, single submitter. Criteria: Ambry Variant Classification Scheme 2023. Collection method: clinical testing. Allele origin: germline.

Color Diagnostics, LLC DBA Color Health
Classification: Likely benign for Hereditary cancer-predisposing syndrome. Last evaluated: 2019-11-20. Review status: criteria provided, single submitter. Criteria: ACMG Guidelines, 2015. Collection method: clinical testing. Allele origin: germline.

NM_004656.4(BAP1):c.501G>C (p.Ala167=)

Gene: BAP1 (BRCA1 associated deubiquitinase 1; minus strand). Cytogenetic location: 3p21.1.
Variant type: single nucleotide variant.
Coding change: c.501G>C on transcript NM_004656.4 (MANE Select); coding-DNA position 501, G replaced by C.
Protein change: p.Ala167=; no amino-acid change (alanine 167 retained).
Molecular consequence: synonymous variant.
Genome position (GRCh38, 1-based): chr3:52,407,253, C>G on the plus strand (G>C on the coding strand, the complement: BAP1 is on the minus strand). VCF-style: chr3-52407253-C-G. GRCh37 (hg19) VCF-style: chr3-52441269-C-G.
Other names: c.501G>C (NM_004656.2).
Identifiers: ClinVar variation 921839 (VCV000921839.5), dbSNP rs148631953, ClinGen allele CA433777207.